The following is an entry in ClinVar:

ClinVar aggregate classification (germline): Uncertain significance (1 of 4 stars; one submission).

Allele frequency attached by ClinVar (database versions not stated): TOPMed below 0.00001; gnomAD exomes 0.00001; ExAC 0.00002.
gnomAD v4.1: 3 of 1,614,218 alleles (0.00019%); highest among the groups gnomAD compares: Admixed American, 0.005%; no homozygotes.

Submission:

Labcorp Genetics (formerly Invitae), Labcorp
Classification: Uncertain significance. Last evaluated: 2023-06-10. Review status: criteria provided, single submitter. Criteria: Invitae Variant Classification Sherloc (09022015). Collection method: clinical testing. Allele origin: germline.
Comment: This variant has not been reported in the literature in individuals affected with NALCN-related conditions. In summary, the available evidence is currently insufficient to determine the role of this variant in disease. Therefore, it has been classified as a Variant of Uncertain Significance. Algorithms developed to predict the effect of sequence changes on RNA splicing suggest that this variant may create or strengthen a splice site. Advanced modeling of protein sequence and biophysical properties (such as structural, functional, and spatial information, amino acid conservation, physicochemical variation, residue mobility, and thermodynamic stability) performed at Invitae indicates that this missense variant is not expected to disrupt NALCN protein function. This variant is present in population databases (rs747256002, gnomAD 0.009%). This sequence change replaces asparagine, which is neutral and polar, with serine, which is neutral and polar, at codon 169 of the NALCN protein (p.Asn169Ser).

NM_052867.4(NALCN):c.506A>G (p.Asn169Ser)

Gene: NALCN (sodium leak channel, non-selective; minus strand). Cytogenetic location: 13q33.1.
Variant type: single nucleotide variant.
Coding change: c.506A>G on transcript NM_052867.4 (MANE Select); coding-DNA position 506, A replaced by G.
Protein change: p.Asn169Ser; replaces asparagine 169 with serine.
Molecular consequence: missense variant.
Genome position (GRCh38, 1-based): chr13:101,376,926, T>C on the plus strand (A>G on the coding strand, the complement: NALCN is on the minus strand). VCF-style: chr13-101376926-T-C. GRCh37 (hg19) VCF-style: chr13-102029277-T-C.
Other names: c.506A>G, p.Asn169Ser (NM_001350748.2, NM_001350749.2, NM_001350750.2 and 1 more transcripts); short protein forms N169S.
Identifiers: ClinVar variation 3007894 (VCV003007894.3), dbSNP rs747256002, ClinGen allele CA7036447.